The following is an entry in ClinVar:

NM_005726.6(TSFM):c.706G>T (p.Ala236Ser)

Gene: TSFM (Ts translation elongation factor, mitochondrial; plus strand). Cytogenetic location: 12q14.1.
Variant type: single nucleotide variant.
Coding change: c.706G>T on transcript NM_005726.6 (MANE Select); coding-DNA position 706, G replaced by T.
Protein change: p.Ala236Ser; replaces alanine 236 with serine.
Molecular consequence: missense variant. On other transcripts: 3 prime UTR variant (1), intron variant (1).
Genome position (GRCh38, 1-based): chr12:57,796,311, G>T. VCF-style: chr12-57796311-G-T. GRCh37 (hg19) VCF-style: chr12-58190094-G-T.
Other names: c.*114G>T (NM_001172695.2); c.769G>T, p.Ala257Ser (NM_001172696.2); c.571+3238G>T (NM_001172697.2); short protein forms A257S, A236S.
Identifiers: ClinVar variation 1391167 (VCV001391167.3), dbSNP rs1955738057, ClinGen allele CA385530636.
Genomic context (GRCh38, chr12:57,796,311, plus strand): 5'-TATGTCCACGGAGCAATGCAGAGTCCCTCACTTCACAAGCTGGTGCTGGGGAAGTATGGG[G>T]CCCTGGTCATCTGTGAGACGTCTGAACAGAAAACAAACCTTGAAGACGTTGGCCGCCGCC-3'
Protein context (NP_005717.3, residues 226-246): LHKLVLGKYG[Ala236Ser]LVICETSEQK

ClinVar aggregate classification (germline): Uncertain significance (1 of 4 stars; one submission).

Submission:

Labcorp Genetics (formerly Invitae), Labcorp
Classification: Uncertain significance. Last evaluated: 2021-11-04. Review status: criteria provided, single submitter. Criteria: Invitae Variant Classification Sherloc (09022015). Collection method: clinical testing. Allele origin: germline.
Comment: This sequence change replaces alanine, which is neutral and non-polar, with serine, which is neutral and polar, at codon 257 of the TSFM protein (p.Ala257Ser). This variant is not present in population databases (gnomAD no frequency). This variant has not been reported in the literature in individuals affected with TSFM-related conditions. Algorithms developed to predict the effect of missense changes on protein structure and function are either unavailable or do not agree on the potential impact of this missense change (SIFT: "Tolerated"; PolyPhen-2: "Probably Damaging"; Align-GVGD: "Class C0"). In summary, the available evidence is currently insufficient to determine the role of this variant in disease. Therefore, it has been classified as a Variant of Uncertain Significance.